The following is an entry in ClinVar:

ClinVar aggregate classification (germline): Uncertain significance (1 of 4 stars; one submission).

Conditions:
Inborn genetic diseases. Identifiers: MedGen C0950123, MeSH D030342.

Allele frequency attached by ClinVar (database versions not stated): TOPMed below 0.00001; gnomAD exomes 0.00001.
gnomAD v4.1: 13 of 1,614,032 alleles (0.00081%); highest among the groups gnomAD compares: South Asian, 0.0022%; no homozygotes.

Submission:

Ambry Genetics
Classification: Uncertain significance for Inborn genetic diseases. Last evaluated: 2021-11-10. Review status: criteria provided, single submitter. Criteria: Ambry Variant Classification Scheme 2023. Collection method: clinical testing. Allele origin: germline.
Comment: The p.R2544H variant (also known as c.7631G>A), located in coding exon 45 of the ATR gene, results from a G to A substitution at nucleotide position 7631. The arginine at codon 2544 is replaced by histidine, an amino acid with highly similar properties. This amino acid position is conserved. In addition, this alteration is predicted to be deleterious by in silico analysis. Since supporting evidence is limited at this time, the clinical significance of this alteration remains unclear.

NM_001184.4(ATR):c.7631G>A (p.Arg2544His)

Gene: ATR (ATR checkpoint kinase; minus strand). Cytogenetic location: 3q23.
Variant type: single nucleotide variant.
Coding change: c.7631G>A on transcript NM_001184.4 (MANE Select); coding-DNA position 7631, G replaced by A.
Protein change: p.Arg2544His; replaces arginine 2544 with histidine.
Molecular consequence: missense variant.
Genome position (GRCh38, 1-based): chr3:142,457,628, C>T on the plus strand (G>A on the coding strand, the complement: ATR is on the minus strand). VCF-style: chr3-142457628-C-T. GRCh37 (hg19) VCF-style: chr3-142176470-C-T.
Other names: c.7439G>A, p.Arg2480His (NM_001354579.2); short protein forms R2544H, R2480H.
Identifiers: ClinVar variation 1759908 (VCV001759908.2), dbSNP rs769121210, ClinGen allele CA84724880.